The following is an entry in ClinVar:

NM_002474.3(MYH11):c.5575G>C (p.Glu1859Gln)

Genes: MYH11 (myosin heavy chain 11; minus strand), NDE1 (nudE neurodevelopment protein 1; plus strand). Cytogenetic location: 16p13.11.
Variant type: single nucleotide variant.
Coding change: c.5575G>C on transcript NM_002474.3 (MANE Select); coding-DNA position 5575, G replaced by C.
Protein change: p.Glu1859Gln; replaces glutamic acid 1859 with glutamine.
Molecular consequence: missense variant. On other transcripts: intron variant (2).
Genome position (GRCh38, 1-based): chr16:15,715,202, C>G on the plus strand (G>C on the coding strand, the complement: MYH11 is on the minus strand). VCF-style: chr16-15715202-C-G. GRCh37 (hg19) VCF-style: chr16-15809059-C-G.
Other names: c.5596G>C, p.Glu1866Gln (NM_001040113.2, NM_001040114.2); c.5575G>C, p.Glu1859Gln (NM_022844.3); c.948-8989C>G (NM_001143979.2, NM_017668.3); short protein forms E1859Q, E1866Q.
Identifiers: ClinVar variation 3387164 (VCV003387164.1).

ClinVar aggregate classification (germline): Uncertain significance (1 of 4 stars; one submission).

Conditions:
Familial thoracic aortic aneurysm and aortic dissection (TAAD). Also called: Thoracic aortic aneurysms and dissections. Identifiers: Orphanet 91387, MedGen C4707243, MONDO:0019625.

Submission:

All of Us Research Program, National Institutes of Health
Classification: Uncertain significance for Familial thoracic aortic aneurysm and aortic dissection. Last evaluated: 2024-04-25. Review status: criteria provided, single submitter. Criteria: ACMG Guidelines, 2015. Collection method: clinical testing. Allele origin: germline. Inheritance: Autosomal dominant inheritance. Observed: 1 variant allele, 1 heterozygote.
Comment: This missense variant replaces glutamic acid with glutamine at codon 1866 of the MYH11 protein. Computational prediction suggests that this variant may have deleterious impact on protein structure and function (internally defined REVEL score threshold >= 0.7, PMID: 27666373). To our knowledge, functional studies have not been reported for this variant. This variant has not been reported in individuals affected with MYH11-related disorders in the literature. This variant has not been identified in the general population by the Genome Aggregation Database (gnomAD). The available evidence is insufficient to determine the role of this variant in disease conclusively. Therefore, this variant is classified as a Variant of Uncertain Significance.

This study involves interpretation of variants in research participants for the purpose of population health screening. Participant phenotype was not available at the time of variant classification. Additional details can be found in publication PMID: 35346344, PMCID: PMC8962531